The following is an entry in ClinVar:

NM_002880.4(RAF1):c.1841C>T (p.Pro614Leu)

Gene: RAF1 (Raf-1 proto-oncogene, serine/threonine kinase; minus strand). Cytogenetic location: 3p25.2.
Variant type: single nucleotide variant.
Coding change: c.1841C>T on transcript NM_002880.4 (MANE Select); coding-DNA position 1841, C replaced by T.
Protein change: p.Pro614Leu; replaces proline 614 with leucine.
Molecular consequence: missense variant. On other transcripts: non-coding transcript variant (3).
Genome position (GRCh38, 1-based): chr3:12,584,620, G>A on the plus strand (C>T on the coding strand, the complement: RAF1 is on the minus strand). VCF-style: chr3-12584620-G-A. GRCh37 (hg19) VCF-style: chr3-12626119-G-A.
Other names: c.1901C>T, p.Pro634Leu (NM_001354689.3); c.1841C>T, p.Pro614Leu (NM_001354690.3); c.1598C>T, p.Pro533Leu (NM_001354691.3, NM_001354692.3); c.1742C>T, p.Pro581Leu (NM_001354693.3); c.1658C>T, p.Pro553Leu (NM_001354694.3); c.1499C>T, p.Pro500Leu (NM_001354695.3); short protein forms P533L, P553L, P581L, P500L, P634L, P614L.
Identifiers: ClinVar variation 2825043 (VCV002825043.3), dbSNP rs1358060804, ClinGen allele CA351496057.

ClinVar aggregate classification (germline): Uncertain significance (1 of 4 stars; one submission).

Conditions:
RASopathy. Also called: Noonan spectrum disorder; rasopathies. Identifiers: Orphanet 536391, MedGen C5555857, MONDO:0021060.

Allele frequency attached by ClinVar (database versions not stated): gnomAD exomes below 0.00001; gnomAD 0.00001.
gnomAD v4.1: 3 of 1,613,886 alleles (0.00019%); highest among the groups gnomAD compares: Admixed American, 0.0017%; no homozygotes.

Submission:

Labcorp Genetics (formerly Invitae), Labcorp
Classification: Uncertain significance for RASopathy. Last evaluated: 2023-07-17. Review status: criteria provided, single submitter. Criteria: Invitae Variant Classification Sherloc (09022015). Collection method: clinical testing. Allele origin: germline.
Comment: In summary, the available evidence is currently insufficient to determine the role of this variant in disease. Therefore, it has been classified as a Variant of Uncertain Significance. Advanced modeling of protein sequence and biophysical properties (such as structural, functional, and spatial information, amino acid conservation, physicochemical variation, residue mobility, and thermodynamic stability) performed at Invitae indicates that this missense variant is expected to disrupt RAF1 protein function. This variant has not been reported in the literature in individuals affected with RAF1-related conditions. This variant is present in population databases (no rsID available, gnomAD 0.007%). This sequence change replaces proline, which is neutral and non-polar, with leucine, which is neutral and non-polar, at codon 614 of the RAF1 protein (p.Pro614Leu).